The following is an entry in ClinVar:

NM_004434.3(EML1):c.2438G>A (p.Arg813His)

Genes: EML1 (EMAP like 1; plus strand), LOC126862047 (BRD4-independent group 4 enhancer GRCh37_chr14:100405395-100406594; plus strand). Cytogenetic location: 14q32.2.
Variant type: single nucleotide variant.
Coding change: c.2438G>A on transcript NM_004434.3 (MANE Select); coding-DNA position 2438, G replaced by A.
Protein change: p.Arg813His; replaces arginine 813 with histidine.
Molecular consequence: missense variant.
Genome position (GRCh38, 1-based): chr14:99,940,102, G>A. VCF-style: chr14-99940102-G-A. GRCh37 (hg19) VCF-style: chr14-100406439-G-A.
Other names: c.2495G>A, p.Arg832His (NM_001008707.2); c.2399G>A, p.Arg800His (NM_001375411.1); c.2306G>A, p.Arg769His (NM_001375412.1); c.2495G>A (NM_001008707.1); short protein forms R769H, R800H, R813H, R832H.
Identifiers: ClinVar variation 2644517 (VCV002644517.25), dbSNP rs138177688, ClinGen allele CA7342957.

ClinVar aggregate classification (germline): Uncertain significance. Review status: criteria provided, multiple submitters, no conflicts (2 of 4 stars). 2 submissions from 2 submitters: Uncertain significance (2). Last evaluated 2024-11-21.

Conditions:
Inborn genetic diseases. Identifiers: MedGen C0950123, MeSH D030342.

Allele frequency attached by ClinVar (database versions not stated): gnomAD exomes 0.00004; TOPMed 0.00006; gnomAD 0.00010; ExAC 0.00012; ESP Exome Variant Server 0.00023.
gnomAD v4.1: 75 of 1,578,084 alleles (0.0048%); highest among the groups gnomAD compares: African/African-American, 0.014%; no homozygotes.

Submissions (2):

Ambry Genetics
Classification: Uncertain significance for Inborn genetic diseases. Last evaluated: 2024-11-21. Review status: criteria provided, single submitter. Criteria: Ambry Variant Classification Scheme 2023. Collection method: clinical testing. Allele origin: germline.

CeGaT Center for Human Genetics Tuebingen
Classification: Uncertain significance. Last evaluated: 2023-09-01. Review status: criteria provided, single submitter. Criteria: CeGaT Center For Human Genetics Tuebingen Variant Classification Criteria Version 2. Collection method: clinical testing. Allele origin: germline. Affected: yes. Observed: 1 variant allele.
Comment: EML1: PM2